The following is an entry in ClinVar:

ClinVar aggregate classification (germline): Likely benign (0 of 4 stars; one submission).

Conditions:
PGM2L1-related disorder. Also called: PGM2L1-related condition.

Allele frequency attached by ClinVar (database versions not stated): 1000 Genomes Project 30x 0.00016; 1000 Genomes Project 0.00020; ExAC 0.00126; gnomAD 0.00129; TOPMed 0.00164; ESP Exome Variant Server 0.00200.
gnomAD v4.1: 3,807 of 1,609,584 alleles (0.24%); highest among the groups gnomAD compares: Non-Finnish European, 0.31%; 3 homozygotes.

Submission:

PreventionGenetics, part of Exact Sciences
Classification: Likely benign for PGM2L1-related condition. Last evaluated: 2022-01-20. Review status: no assertion criteria provided. Collection method: clinical testing. Allele origin: germline.
Comment: This variant is classified as likely benign based on ACMG/AMP sequence variant interpretation guidelines (Richards et al. 2015 PMID: 25741868, with internal and published modifications).

NM_173582.6(PGM2L1):c.1565C>T (p.Thr522Ile)

Gene: PGM2L1 (phosphoglucomutase 2 like 1; minus strand). Cytogenetic location: 11q13.4.
Variant type: single nucleotide variant.
Coding change: c.1565C>T on transcript NM_173582.6 (MANE Select); coding-DNA position 1565, C replaced by T.
Protein change: p.Thr522Ile; replaces threonine 522 with isoleucine.
Molecular consequence: missense variant.
Genome position (GRCh38, 1-based): chr11:74,342,528, G>A on the plus strand (C>T on the coding strand, the complement: PGM2L1 is on the minus strand). VCF-style: chr11-74342528-G-A. GRCh37 (hg19) VCF-style: chr11-74053573-G-A.
Other names: short protein forms T522I.
Identifiers: ClinVar variation 3034165 (VCV003034165.2), dbSNP rs146960261, ClinGen allele CA6184436.